The following is an entry in ClinVar:

ClinVar aggregate classification (germline): Uncertain significance (1 of 4 stars; one submission).

Conditions:
Developmental and epileptic encephalopathy 94 (DEE94). Also called: CHD2-Related Neurodevelopmental Disorders; Epileptic encephalopathy, childhood-onset. Identifiers: Orphanet 1942, Orphanet 2382, MedGen C3809278, MONDO:0014150, OMIM 615369.

Submission:

Labcorp Genetics (formerly Invitae), Labcorp
Classification: Uncertain significance for Developmental and epileptic encephalopathy 94. Last evaluated: 2022-01-14. Review status: criteria provided, single submitter. Criteria: Invitae Variant Classification Sherloc (09022015). Collection method: clinical testing. Allele origin: germline.
Comment: In summary, the available evidence is currently insufficient to determine the role of this variant in disease. Therefore, it has been classified as a Variant of Uncertain Significance. Advanced modeling of protein sequence and biophysical properties (such as structural, functional, and spatial information, amino acid conservation, physicochemical variation, residue mobility, and thermodynamic stability) performed at Invitae indicates that this missense variant is not expected to disrupt CHD2 protein function. This variant has not been reported in the literature in individuals affected with CHD2-related conditions. This variant is not present in population databases (gnomAD no frequency). This sequence change replaces glycine, which is neutral and non-polar, with arginine, which is basic and polar, at codon 679 of the CHD2 protein (p.Gly679Arg).

NM_001271.4(CHD2):c.2035G>A (p.Gly679Arg)

Gene: CHD2 (chromodomain helicase DNA binding protein 2; plus strand). Cytogenetic location: 15q26.1.
Variant type: single nucleotide variant.
Coding change: c.2035G>A on transcript NM_001271.4 (MANE Select); coding-DNA position 2035, G replaced by A.
Protein change: p.Gly679Arg; replaces glycine 679 with arginine.
Molecular consequence: missense variant.
Genome position (GRCh38, 1-based): chr15:92,967,359, G>A. VCF-style: chr15-92967359-G-A. GRCh37 (hg19) VCF-style: chr15-93510589-G-A.
Other names: short protein forms G679R.
Identifiers: ClinVar variation 1346102 (VCV001346102.8), dbSNP rs867188529, ClinGen allele CA274883000.
Genomic context (GRCh38, chr15:92,967,359, plus strand): 5'-ATAACACTATACTGTTTCTTCCCTAGGTTTGAATTTTGGGAAGATTTTGAAGAAGACCAT[G>A]GGAAGGGGAGAGAAAATGGCTACCAGAGTCTTCATAAGGTGCTAGAGCCTTTCCTTCTCC-3'
Protein context (NP_001262.3, residues 669-689): EFWEDFEEDH[Gly679Arg]KGRENGYQSL